The following is an entry in ClinVar:

ClinVar aggregate classification (germline): Pathogenic (1 of 4 stars; one submission).

Conditions:
Intellectual disability-severe speech delay-mild dysmorphism syndrome (IDDLA). Also called: FOXP1 Syndrome; Mental retardation with language impairment and autistic features; Intellectual developmental disorder with language impairment AND with or without autistic features. Identifiers: Orphanet 391372, MedGen C4013764, MONDO:0013352, OMIM 613670.

Submission:

Groupe Hospitalier Pitie Salpetriere, Uf Genomique Du Developpement, Assistance Publique Hopitaux de Paris Sorbonne Université
Classification: Pathogenic for Mental retardation with language impairment and with or without autistic features. Last evaluated: 2017-01-06. Review status: criteria provided, single submitter. Criteria: ACMG Guidelines, 2015. Collection method: clinical testing. Allele origin: de novo. Affected: yes. Observed: 1 variant allele.
Comment: Intellectual disability; macrocephaly

Literature cited by the submitters: PubMed 28708303.

NM_001349338.3(FOXP1):c.1349-5_1350del

Gene: FOXP1 (forkhead box P1; minus strand). Cytogenetic location: 3p13.
Variant type: Deletion.
Coding change: c.1349-5_1350del on transcript NM_001349338.3 (MANE Select); 5 bases into the intron before coding-DNA position 1349 through coding-DNA position 1350, 7 bases deleted (TTCAGCA; older notation c.1349-5_1350delTTCAGCA).
Molecular consequence: splice acceptor variant.
Genome position (GRCh38, 1-based): chr3:70,977,721-70,977,727, TGCTGAA deleted on the plus strand (TTCAGCA on the coding strand, the reverse complement: FOXP1 is on the minus strand); deleting any 7 consecutive bases within chr3:70,977,721-70,977,728 gives the same sequence; the c. name uses the placement nearest the transcript's 3' end. VCF-style (leftmost placement, unchanged base first): chr3-70977720-CTGCTGAA-C. GRCh37 (hg19) VCF-style: chr3-71026871-CTGCTGAA-C.
Other names: c.1349-5_1350del (NM_001244810.2, NM_032682.6, NM_001349340.3 and 2 more transcripts); c.1346-5_1347del (NM_001349341.3); c.1349-8_1349-2del (NM_001244808.3); c.1121-5_1122del (NM_001244812.3); c.1046-5_1047del (NM_001349343.3, NM_001349337.2, NM_001349344.3); c.1049-5_1050del (NM_001349342.3, NM_001244815.2, NM_001244813.3); c.1049-8_1049-2del (NM_001370548.1).
Identifiers: ClinVar variation 431122 (VCV000431122.3), dbSNP rs1135401796, ClinGen allele CA645372739.